The following is an entry in ClinVar:

ClinVar aggregate classification (germline): Pathogenic (1 of 4 stars; one submission).

Conditions:
Developmental and epileptic encephalopathy, 9 (DEE9). Also called: PCDH19-Related X-Linked Female-Limited Epilepsy with Mental Retardation; Early infantile epileptic encephalopathy 9; JUBERG-HELLMAN SYNDROME; EPILEPSY, FEMALE-RESTRICTED, WITH MENTAL RETARDATION. Identifiers: Orphanet 101039, Orphanet 2076, MedGen C1848137, MONDO:0010246, OMIM 300088. Disease mechanism: loss of function.

Submission:

Labcorp Genetics (formerly Invitae), Labcorp
Classification: Pathogenic for Developmental and epileptic encephalopathy, 9. Last evaluated: 2025-03-05. Review status: criteria provided, single submitter. Criteria: Invitae Variant Classification Sherloc (09022015). Collection method: clinical testing. Allele origin: germline.
Comment: This sequence change creates a premature translational stop signal (p.Ser877*) in the PCDH19 gene. It is expected to result in an absent or disrupted protein product. Loss-of-function variants in PCDH19 are known to be pathogenic (PMID: 21053371). This variant is not present in population databases (gnomAD no frequency). This variant has not been reported in the literature in individuals affected with PCDH19-related conditions. For these reasons, this variant has been classified as Pathogenic.

Literature cited by the submitters: PubMed 21053371.

NM_001184880.2(PCDH19):c.2630_2634del (p.Tyr876_Ser877insTer)

Gene: PCDH19 (protocadherin 19; minus strand). Cytogenetic location: Xq22.1.
Variant type: Deletion.
Coding change: c.2630_2634del on transcript NM_001184880.2 (MANE Select); coding-DNA positions 2630 to 2634, 5 bases deleted (CTTTT; older notation c.2630_2634delCTTTT).
Protein change: p.Tyr876_Ser877insTer.
Molecular consequence: nonsense.
Genome position (GRCh38, 1-based): chrX:100,350,687-100,350,691, AAAAG deleted on the plus strand (CTTTT on the coding strand, the reverse complement: PCDH19 is on the minus strand); deleting any 5 consecutive bases within chrX:100,350,687-100,350,693 gives the same sequence; the c. name uses the placement nearest the transcript's 3' end. VCF-style (leftmost placement, unchanged base first): chrX-100350686-CAAAAG-C. GRCh37 (hg19) VCF-style: chrX-99605684-CAAAAG-C.
Other names: c.2489_2493del, p.Tyr829_Ser830insTer (NM_001105243.2, NM_020766.3).
Identifiers: ClinVar variation 4714451 (VCV004714451.1).